The following is an entry in ClinVar:

ClinVar aggregate classification (germline): Benign (0 of 4 stars; one submission).

Conditions:
FOXF2-related disorder. Also called: FOXF2-related condition.

Submission:

PreventionGenetics, part of Exact Sciences
Classification: Benign for FOXF2-related condition. Last evaluated: 2019-08-01. Review status: no assertion criteria provided. Collection method: clinical testing. Allele origin: germline.
Comment: This variant is classified as benign based on ACMG/AMP sequence variant interpretation guidelines (Richards et al. 2015 PMID: 25741868, with internal and published modifications).

NM_001452.2(FOXF2):c.97GCC[8] (p.Ala41del)

Genes: FOXF2 (forkhead box F2; plus strand), FOXF2-DT (FOXF2 divergent transcript; minus strand). Cytogenetic location: 6p25.3.
Variant type: Microsatellite.
Coding change: c.97GCC[8] on transcript NM_001452.2 (MANE Select); eight copies in a row of the 3-base unit GCC starting at c.97; the reference has nine copies in a row; one copy, 3 bases deleted.
Protein change: p.Ala41del; deletes alanine 41.
Genome position (GRCh38, 1-based): chr6:1,390,068-1,390,070, GCC deleted; deleting any 3 consecutive bases within chr6:1,390,042-1,390,070 gives the same sequence; the position shown is the placement nearest the transcript's 3' end. VCF-style (leftmost placement, unchanged base first): chr6-1390041-CCCG-C. GRCh37 (hg19) VCF-style: chr6-1390276-CCCG-C.
Other names: short protein forms A41del.
Identifiers: ClinVar variation 3055285 (VCV003055285.2), dbSNP rs747033801, ClinGen allele CA3614459.